The following is an entry in ClinVar:

ClinVar aggregate classification (germline): Uncertain significance. Review status: criteria provided, multiple submitters, no conflicts (2 of 4 stars). 2 submissions from 2 submitters: Uncertain significance (2). Last evaluated 2025-02-05.

Submissions (2):

Labcorp Genetics (formerly Invitae), Labcorp
Classification: Uncertain significance. Last evaluated: 2025-02-05. Review status: criteria provided, single submitter. Criteria: Invitae Variant Classification Sherloc (09022015). Collection method: clinical testing. Allele origin: germline.
Comment: This sequence change replaces glutamic acid, which is acidic and polar, with aspartic acid, which is acidic and polar, at codon 596 of the A2ML1 protein (p.Glu596Asp). This variant is not present in population databases (gnomAD no frequency). This variant has not been reported in the literature in individuals affected with A2ML1-related conditions. ClinVar contains an entry for this variant (Variation ID: 1465244). An algorithm developed to predict the effect of missense changes on protein structure and function (PolyPhen-2) suggests that this variant is likely to be tolerated. In summary, the available evidence is currently insufficient to determine the role of this variant in disease. Therefore, it has been classified as a Variant of Uncertain Significance.

Ambry Genetics
Classification: Uncertain significance. Last evaluated: 2022-06-24. Review status: criteria provided, single submitter. Criteria: Ambry Variant Classification Scheme 2023. Collection method: clinical testing. Allele origin: germline.

NM_144670.6(A2ML1):c.1788G>C (p.Glu596Asp)

Gene: A2ML1 (alpha-2-macroglobulin like 1; plus strand). Cytogenetic location: 12p13.31.
Variant type: single nucleotide variant.
Coding change: c.1788G>C on transcript NM_144670.6 (MANE Select); coding-DNA position 1788, G replaced by C.
Protein change: p.Glu596Asp; replaces glutamic acid 596 with aspartic acid.
Molecular consequence: missense variant.
Genome position (GRCh38, 1-based): chr12:8,847,653, G>C. VCF-style: chr12-8847653-G-C. GRCh37 (hg19) VCF-style: chr12-9000249-G-C.
Other names: c.1788G>C (NM_144670.3); c.315G>C, p.Glu105Asp (NM_001282424.3); short protein forms E596D, E105D.
Identifiers: ClinVar variation 1465244 (VCV001465244.9), dbSNP rs2136850485, ClinGen allele CA383829734.